The following is an entry in ClinVar:

ClinVar aggregate classification (germline): Uncertain significance (1 of 4 stars; one submission).

Allele frequency attached by ClinVar (database versions not stated): gnomAD exomes below 0.00001 and 0.00001; TOPMed 0.00001; ExAC 0.00002.

Submission:

Labcorp Genetics (formerly Invitae), Labcorp
Classification: Uncertain significance. Last evaluated: 2023-07-07. Review status: criteria provided, single submitter. Criteria: Invitae Variant Classification Sherloc (09022015). Collection method: clinical testing. Allele origin: germline.
Comment: In summary, the available evidence is currently insufficient to determine the role of this variant in disease. Therefore, it has been classified as a Variant of Uncertain Significance. Algorithms developed to predict the effect of sequence changes on RNA splicing suggest that this variant may create or strengthen a splice site. Algorithms developed to predict the effect of missense changes on protein structure and function output the following: SIFT: "Not Available"; PolyPhen-2: "Benign"; Align-GVGD: "Not Available". The lysine amino acid residue is found in multiple mammalian species, which suggests that this missense change does not adversely affect protein function. ClinVar contains an entry for this variant (Variation ID: 1027303). This variant has not been reported in the literature in individuals affected with SLC24A1-related conditions. This variant is present in population databases (rs770213410, gnomAD 0.006%). This sequence change replaces arginine, which is basic and polar, with lysine, which is basic and polar, at codon 934 of the SLC24A1 protein (p.Arg934Lys).

NM_004727.3(SLC24A1):c.2801G>A (p.Arg934Lys)

Gene: SLC24A1 (solute carrier family 24 member 1; plus strand). Cytogenetic location: 15q22.31.
Variant type: single nucleotide variant.
Coding change: c.2801G>A on transcript NM_004727.3 (MANE Select); coding-DNA position 2801, G replaced by A.
Protein change: p.Arg934Lys; replaces arginine 934 with lysine.
Molecular consequence: missense variant. On other transcripts: intron variant (1).
Genome position (GRCh38, 1-based): chr15:65,651,677, G>A. VCF-style: chr15-65651677-G-A. GRCh37 (hg19) VCF-style: chr15-65944015-G-A.
Other names: c.782G>A, p.Arg261Lys (NM_001254740.2); c.2747G>A, p.Arg916Lys (NM_001301032.1, NM_001301033.2); c.2793+735G>A (NM_001301031.1); short protein forms R261K, R916K, R934K.
Identifiers: ClinVar variation 1027303 (VCV001027303.9), dbSNP rs770213410, ClinGen allele CA7620217.
Genomic context (GRCh38, chr15:65,651,677, plus strand): 5'-AGACCTTTTAACCTCTACAGCTTACTTCTTGTCCTTTTCAAACTTTCAAACAGGAGTCTA[G>A]GAAGTTTTTTGTTTTCACCTTCCTGGGATCTATCATGTGGATAGCCATGTTCTCATACCT-3'
Protein context (NP_004718.1, residues 924-944): TVPDVRRQES[Arg934Lys]KFFVFTFLGS